The following is an entry in ClinVar:

NC_000007.13:g.(?_139661698)_(139707002_?)dup

Gene: TBXAS1 (thromboxane A synthase 1; plus strand). Cytogenetic location: 7q34.
Variant type: Duplication.
Identifiers: ClinVar variation 1410068 (VCV001410068.5).

ClinVar aggregate classification (germline): Uncertain significance (1 of 4 stars; one submission).

Submission:

Labcorp Genetics (formerly Invitae), Labcorp
Classification: Uncertain significance. Last evaluated: 2022-09-01. Review status: criteria provided, single submitter. Criteria: Invitae Variant Classification Sherloc (09022015). Collection method: clinical testing. Allele origin: germline.
Comment: In summary, the available evidence is currently insufficient to determine the role of this variant in disease. Therefore, it has been classified as a Variant of Uncertain Significance. This variant has not been reported in the literature in individuals affected with TBXAS1-related conditions. This variant results in a copy number gain of the genomic region encompassing exon(s) 9-10 of the TBXAS1 gene. While the exact position of this variant cannot be determined from the data, sub-genic copy number gains are generally in tandem (PMID: 25640679). This variant is predicted to be out-of-frame, and may result in an absent or disrupted protein product. However, the current clinical and genetic evidence is not sufficient to establish whether loss-of-function variants in TBXAS1 cause disease.

Literature cited by the submitters: PubMed 25640679.